The following is an entry in ClinVar:

ClinVar aggregate classification (germline): Uncertain significance (1 of 4 stars; one submission).

Conditions:
Combined immunodeficiency due to DOCK8 deficiency (HIES2). Also called: DOCK8 Deficiency; HIES autosomal recessive; Hyper-IgE recurrent infection syndrome, autosomal recessive; HYPER-IgE SYNDROME 2, AUTOSOMAL RECESSIVE, WITH RECURRENT INFECTIONS; HYPER-IgE RECURRENT INFECTION SYNDROME 2, AUTOSOMAL RECESSIVE. Identifiers: Orphanet 217390, MedGen C4722305, MONDO:0009478, OMIM 243700.

Submission:

Labcorp Genetics (formerly Invitae), Labcorp
Classification: Uncertain significance for Combined immunodeficiency due to DOCK8 deficiency. Last evaluated: 2025-04-10. Review status: criteria provided, single submitter. Criteria: Invitae Variant Classification Sherloc (09022015). Collection method: clinical testing. Allele origin: germline.
Comment: This variant, c.1485_1487del, results in the deletion of 1 amino acid(s) of the DOCK8 protein (p.Ser496del), but otherwise preserves the integrity of the reading frame. This variant is present in population databases (no rsID available, gnomAD 0.01%). This variant has not been reported in the literature in individuals affected with DOCK8-related conditions. Experimental studies and prediction algorithms are not available or were not evaluated, and the functional significance of this variant is currently unknown. In summary, the available evidence is currently insufficient to determine the role of this variant in disease. Therefore, it has been classified as a Variant of Uncertain Significance.

NM_203447.4(DOCK8):c.1479ATC[2] (p.Ser496del)

Gene: DOCK8 (dedicator of cytokinesis 8; plus strand). Cytogenetic location: 9p24.3.
Variant type: Microsatellite.
Coding change: c.1479ATC[2] on transcript NM_203447.4 (MANE Select); two copies in a row of the 3-base unit ATC starting at c.1479; the reference has three copies in a row; one copy, 3 bases deleted.
Protein change: p.Ser496del; deletes serine 496.
Genome position (GRCh38, 1-based): chr9:339,068-339,070, ATC deleted; deleting any 3 consecutive bases within chr9:339,062-339,070 gives the same sequence; the position shown is the placement nearest the transcript's 3' end. VCF-style (leftmost placement, unchanged base first): chr9-339061-GATC-G. GRCh37 (hg19) VCF-style: chr9-339061-GATC-G.
Other names: c.1275ATC[2], p.Ser428del (NM_001190458.2, NM_001193536.2); short protein forms S496del, S428del.
Identifiers: ClinVar variation 3714400 (VCV003714400.2).